The following is an entry in ClinVar:

NM_001040142.2(SCN2A):c.5750G>A (p.Arg1917Lys)

Gene: SCN2A (sodium voltage-gated channel alpha subunit 2; plus strand). Cytogenetic location: 2q24.3.
Variant type: single nucleotide variant.
Coding change: c.5750G>A on transcript NM_001040142.2 (MANE Select); coding-DNA position 5750, G replaced by A.
Protein change: p.Arg1917Lys; replaces arginine 1917 with lysine.
Molecular consequence: missense variant.
Genome position (GRCh38, 1-based): chr2:165,389,556, G>A. VCF-style: chr2-165389556-G-A. GRCh37 (hg19) VCF-style: chr2-166246066-G-A.
Other names: c.5750G>A, p.Arg1917Lys (NM_001040143.2, NM_001371246.1, NM_001371247.1 and 1 more transcripts); short protein forms R1917K.
Identifiers: ClinVar variation 1699068 (VCV001699068.3), dbSNP rs2105403810, ClinGen allele CA349040118.

ClinVar aggregate classification (germline): Uncertain significance (1 of 4 stars; one submission).

Conditions:
Developmental and epileptic encephalopathy, 11 (DEE11). Also called: Early infantile epileptic encephalopathy 11. Identifiers: Orphanet 1934, MedGen C3150987, MONDO:0013388, OMIM 613721.

Allele frequency attached by ClinVar (database versions not stated): gnomAD exomes below 0.00001.
gnomAD v4.1: 1 of 1,613,940 alleles (0.000062%); highest among the groups gnomAD compares: Non-Finnish European, 0.000085%; no homozygotes.

Submission:

Victorian Clinical Genetics Services, Murdoch Childrens Research Institute
Classification: Uncertain significance for Developmental and epileptic encephalopathy, 11. Last evaluated: 2020-07-02. Review status: criteria provided, single submitter. Criteria: ACMG Guidelines, 2015. Collection method: clinical testing. Allele origin: germline. Inheritance: Autosomal dominant inheritance. Affected: yes.
Comment: Based on the classification scheme VCGS_Germline_v1.1.1, this variant is classified as 3B-VUS. Following criteria are met: 0103 - Both loss- and gain-of-function are known mechanisms of disease for this gene. Haploinsufficiency is associated with autism and intellectual disability while gain-of-function variants are associated with seizures and epilepsy (PMID: 28256214, 28379373). (N) 0107 - This gene is known to be associated with autosomal dominant disease. (N) 0200 - Variant is predicted to result in a missense amino acid change from arginine to lysine (exon 27). (N) 0251 - Variant is heterozygous. (N) 0301 - Variant is absent from gnomAD. (P) 0502 - Missense variant with conflicting in silico predictions and/or uninformative conservation. (N) 0604 - Variant is not located in an established domain, motif, hotspot or informative constraint region. (N) 0705 - No comparable variants have previous evidence for pathogenicity. (N) 0807 - Variant has not previously been reported in a clinical context. (N) 0905 - No segregation evidence has been identified for this variant. (N) 1007 - No published functional evidence has been identified for this variant. (N) 1208 - Inheritance information for this variant is not currently available. (N) Legend: (P) - Pathogenic, (N) - Neutral, (B) - Benign

Literature cited by the submitters: PubMed 28256214; PubMed 28379373.